The following is an entry in ClinVar:

ClinVar aggregate classification (germline): Uncertain significance (1 of 4 stars; one submission).

gnomAD v4.1: 1 of 1,614,140 alleles (0.000062%); highest among the groups gnomAD compares: Non-Finnish European, 0.000085%; no homozygotes.

Submission:

GeneDx
Classification: Uncertain significance. Last evaluated: 2026-03-25. Review status: criteria provided, single submitter. Criteria: GeneDx Variant Classification Process June 2021. Collection method: clinical testing. Allele origin: germline.
Comment: Not observed at significant frequency in large population cohorts (gnomAD); In silico analysis suggests that this missense variant does not alter protein structure/function; Has not been previously published as pathogenic or benign to our knowledge

NM_003185.4(TAF4):c.1601T>C (p.Val534Ala)

Gene: TAF4 (TATA-box binding protein associated factor 4; minus strand). Cytogenetic location: 20q13.33.
Variant type: single nucleotide variant.
Coding change: c.1601T>C on transcript NM_003185.4 (MANE Select); coding-DNA position 1601, T replaced by C.
Protein change: p.Val534Ala; replaces valine 534 with alanine.
Molecular consequence: missense variant.
Genome position (GRCh38, 1-based): chr20:62,012,855, A>G on the plus strand (T>C on the coding strand, the complement: TAF4 is on the minus strand). VCF-style: chr20-62012855-A-G. GRCh37 (hg19) VCF-style: chr20-60587911-A-G.
Other names: short protein forms V534A.
Identifiers: ClinVar variation 5017452 (VCV005017452.1).